The following is an entry in ClinVar:

NM_002471.4(MYH6):c.2050+3G>A

Gene: MYH6 (myosin heavy chain 6; minus strand). Cytogenetic location: 14q11.2.
Variant type: single nucleotide variant.
Coding change: c.2050+3G>A on transcript NM_002471.4 (MANE Select); 3 bases into the intron after coding-DNA position 2050, G replaced by A.
Molecular consequence: intron variant.
Genome position (GRCh38, 1-based): chr14:23,397,167, C>T on the plus strand (G>A on the coding strand, the complement: MYH6 is on the minus strand). VCF-style: chr14-23397167-C-T. GRCh37 (hg19) VCF-style: chr14-23866376-C-T.
Identifiers: ClinVar variation 1785059 (VCV001785059.2), dbSNP rs1891423537, ClinGen allele CA961064670.

ClinVar aggregate classification (germline): Uncertain significance (1 of 4 stars; one submission).

Conditions:
Cardiovascular phenotype. Identifiers: MedGen CN230736.

Allele frequency attached by ClinVar (database versions not stated): gnomAD 0.00001.
gnomAD v4.1: 1 of 1,614,098 alleles (0.000062%); highest among the groups gnomAD compares: Admixed American, 0.0017%; no homozygotes.

Submission:

Ambry Genetics
Classification: Uncertain significance for Cardiovascular phenotype. Last evaluated: 2022-04-18. Review status: criteria provided, single submitter. Criteria: Ambry Variant Classification Scheme 2023. Collection method: clinical testing. Allele origin: germline.
Comment: The c.2050+3G>A intronic variant results from a G to A substitution 3 nucleotides after coding exon 15 in the MYH6 gene. This nucleotide position is well conserved in available vertebrate species. In silico splice site analysis predicts that this alteration will not have any significant effect on splicing. Since supporting evidence is limited at this time, the clinical significance of this alteration remains unclear.